The following is an entry in ClinVar:

ClinVar aggregate classification (germline): Pathogenic (1 of 4 stars; one submission).

Conditions:
Cardiovascular phenotype. Identifiers: MedGen CN230736.
Hereditary cancer-predisposing syndrome. Also called: Tumor predisposition; Hereditary neoplastic syndrome; Neoplastic Syndromes, Hereditary; Hereditary Cancer Syndrome. Identifiers: Orphanet 140162, MedGen C0027672, MeSH D009386, MONDO:0015356.

Submission:

Ambry Genetics
Classification: Pathogenic for Cardiovascular phenotype; Hereditary cancer-predisposing syndrome. Last evaluated: 2025-04-16. Review status: criteria provided, single submitter. Criteria: Ambry Variant Classification Scheme 2023. Collection method: clinical testing. Allele origin: germline.
Comment: The c.174_177delCACT variant, located in coding exon 2 of the NF1 gene, results from a deletion of 4 nucleotides at nucleotide positions 174 to 177, causing a translational frameshift with a predicted alternate stop codon (p.T59Lfs*3). This variant was reported in an individual with features consistent with Neurofibromatosis type I (Wimmer K et al. Hum Mutat, 2007 Jun;28:599-612). This variant is considered to be rare based on population cohorts in the Genome Aggregation Database (gnomAD). In addition to the clinical data presented in the literature, this alteration is expected to result in loss of function by premature protein truncation or nonsense-mediated mRNA decay. As such, this alteration is interpreted as a disease-causing mutation.

Literature cited by the submitters: PubMed 17311297.

NM_001042492.3(NF1):c.174_177del (p.Thr59fs)

Gene: NF1 (neurofibromin 1; plus strand). Cytogenetic location: 17q11.2.
Variant type: Deletion.
Coding change: c.174_177del on transcript NM_001042492.3 (MANE Select); coding-DNA positions 174 to 177, 4 bases deleted (CACT; older notation c.174_177delCACT).
Protein change: p.Thr59fs; shifts the reading frame from threonine 59.
Molecular consequence: frameshift variant.
Genome position (GRCh38, 1-based): chr17:31,156,096-31,156,099, CACT deleted; deleting any 4 consecutive bases within chr17:31,156,094-31,156,099 gives the same sequence; the c. name uses the placement nearest the transcript's 3' end. VCF-style (leftmost placement, unchanged base first): chr17-31156093-CCTCA-C. GRCh37 (hg19) VCF-style: chr17-29483111-CCTCA-C.
Other names: c.174_177delCACT (NM_000267.3); c.174_177delCACT, p.Thr59Leufs (NM_000267.4); c.174_177del, p.Thr59fs (NM_001128147.3); short protein forms T59fs.
Identifiers: ClinVar variation 4002216 (VCV004002216.1).